The following is an entry in ClinVar:

ClinVar aggregate classification (germline): Uncertain significance (1 of 4 stars; one submission).

gnomAD v4.1: 1 of 1,614,234 alleles (0.000062%); highest among the groups gnomAD compares: Non-Finnish European, 0.000085%; no homozygotes.

Submission:

GeneDx
Classification: Uncertain significance. Last evaluated: 2022-09-21. Review status: criteria provided, single submitter. Criteria: GeneDx Variant Classification Process June 2021. Collection method: clinical testing. Allele origin: germline. Affected: yes.
Comment: Not observed at significant frequency in large population cohorts (gnomAD); In silico analysis supports that this missense variant does not alter protein structure/function; Has not been previously published as pathogenic or benign to our knowledge

NM_004973.4(JARID2):c.763G>C (p.Asp255His)

Gene: JARID2 (jumonji and AT-rich interaction domain containing 2; plus strand). Cytogenetic location: 6p22.3.
Variant type: single nucleotide variant.
Coding change: c.763G>C on transcript NM_004973.4 (MANE Select); coding-DNA position 763, G replaced by C.
Protein change: p.Asp255His; replaces aspartic acid 255 with histidine.
Molecular consequence: missense variant.
Genome position (GRCh38, 1-based): chr6:15,487,399, G>C. VCF-style: chr6-15487399-G-C. GRCh37 (hg19) VCF-style: chr6-15487630-G-C.
Other names: c.247G>C, p.Asp83His (NM_001267040.1); short protein forms D255H, D83H.
Identifiers: ClinVar variation 2446060 (VCV002446060.1), dbSNP rs762951513, ClinGen allele CA362793201.